The following is an entry in ClinVar:

ClinVar aggregate classification (germline): Uncertain significance (1 of 4 stars; one submission).

Conditions:
Hereditary cancer-predisposing syndrome. Also called: Tumor predisposition; Hereditary neoplastic syndrome; Neoplastic Syndromes, Hereditary; Hereditary Cancer Syndrome. Identifiers: Orphanet 140162, MedGen C0027672, MeSH D009386, MONDO:0015356.

Submission:

Labcorp Genetics (formerly Invitae), Labcorp
Classification: Uncertain significance for Hereditary cancer-predisposing syndrome. Last evaluated: 2020-09-18. Review status: criteria provided, single submitter. Criteria: Invitae Variant Classification Sherloc (09022015). Collection method: clinical testing. Allele origin: germline.
Comment: This sequence change replaces arginine with proline at codon 365 of the RAD50 protein (p.Arg365Pro). The arginine residue is moderately conserved and there is a moderate physicochemical difference between arginine and proline. This variant is not present in population databases (ExAC no frequency). This variant has not been reported in the literature in individuals with RAD50-related conditions. ClinVar contains an entry for this variant (Variation ID: 856693). Algorithms developed to predict the effect of missense changes on protein structure and function (SIFT, PolyPhen-2, Align-GVGD) all suggest that this variant is likely to be tolerated, but these predictions have not been confirmed by published functional studies and their clinical significance is uncertain. In summary, the available evidence is currently insufficient to determine the role of this variant in disease. Therefore, it has been classified as a Variant of Uncertain Significance.

NM_005732.4(RAD50):c.1094G>C (p.Arg365Pro)

Gene: RAD50 (RAD50 double strand break repair protein; plus strand). Cytogenetic location: 5q31.1.
Variant type: single nucleotide variant.
Coding change: c.1094G>C on transcript NM_005732.4 (MANE Select); coding-DNA position 1094, G replaced by C.
Protein change: p.Arg365Pro; replaces arginine 365 with proline.
Molecular consequence: missense variant.
Genome position (GRCh38, 1-based): chr5:132,588,729, G>C. VCF-style: chr5-132588729-G-C. GRCh37 (hg19) VCF-style: chr5-131924421-G-C.
Other names: short protein forms R365P.
Identifiers: ClinVar variation 856693 (VCV000856693.10), dbSNP rs146370443, ClinGen allele CA360942276.
Genomic context (GRCh38, chr5:132,588,729, plus strand): 5'-AGATTTTTTTTTTAAAAGGTCGTCTACAGCTGCAAGCAGATCGCCATCAAGAACATATCC[G>C]AGCTAGAGATTCATTAATTCAGTCTTTGGCAACACAGCTAGAATTGGATGGCTTTGAGCG-3'
Protein context (NP_005723.2, residues 355-375): LQADRHQEHI[Arg365Pro]ARDSLIQSLA